The following is an entry in ClinVar:

NM_001144757.3(SCG5):c.609T>C (p.His203=)

Genes: ARHGAP11A-SCG5 (ARHGAP11A-SCG5 readthrough; plus strand), SCG5 (secretogranin V; plus strand). Cytogenetic location: 15q13.3.
Variant type: single nucleotide variant.
Coding change: c.609T>C on transcript NM_001144757.3 (MANE Select); coding-DNA position 609, T replaced by C.
Protein change: p.His203=; no amino-acid change (histidine 203 retained).
Molecular consequence: synonymous variant.
Genome position (GRCh38, 1-based): chr15:32,696,579, T>C. VCF-style: chr15-32696579-T-C. GRCh37 (hg19) VCF-style: chr15-32988780-T-C.
Other names: c.1848T>C, p.His616= (NM_001368319.1); c.555T>C, p.His185= (NM_001394278.1); c.552T>C, p.His184= (NM_001394279.1); c.606T>C, p.His202= (NM_003020.5).
Identifiers: ClinVar variation 4874249 (VCV004874249.2).

ClinVar aggregate classification (germline): Likely benign (1 of 4 stars; one submission).

gnomAD v4.1: 65 of 1,612,192 alleles (0.004%); highest among the groups gnomAD compares: African/African-American, 0.068%; no homozygotes.

Submission:

CeGaT Center for Human Genetics Tuebingen
Classification: Likely benign. Last evaluated: 2026-07-01. Review status: criteria provided, single submitter. Criteria: CeGaT Center For Human Genetics Tuebingen Variant Classification Criteria Version 2. Collection method: clinical testing. Allele origin: germline. Affected: yes. Observed: 1 variant allele.
Comment: SCG5: BP4, BP7